The following is an entry in ClinVar:

ClinVar aggregate classification (germline): Pathogenic/Likely pathogenic. Review status: criteria provided, multiple submitters, no conflicts (2 of 4 stars). 4 submissions from 4 submitters: Pathogenic (1); Likely pathogenic (1). 2 of the submissions do not count toward it. Last evaluated 2026-08-11.

Conditions:
Intellectual disability. Also called: Intellectual functioning disability; Intellectual developmental disorder; intellectual disabilities. Identifiers: MedGen C3714756, MeSH D008607, MONDO:0001071, HP:0001249.
Intellectual developmental disorder, autosomal dominant 54. Also called: Intellectual disability, autosomal dominant 54; MENTAL RETARDATION, AUTOSOMAL DOMINANT 54. Identifiers: MedGen C4540484, MONDO:0030920, OMIM 617799.

Submissions (4):

GeneDx
Classification: Likely pathogenic. Last evaluated: 2026-08-11. Review status: criteria provided, single submitter. Criteria: GeneDx Variant Classification Process June 2021. Collection method: clinical testing. Allele origin: germline.
Comment: De novo variant with confirmed parentage in a patient with mild intellectual disability, speech delay, and seizures; however, this individual also harbored variants in several other genes (PMID: 29100089); Nonsense variant predicted to result in protein truncation or nonsense mediated decay in a gene or region of a gene for which loss of function is not a well-established mechanism of disease; Not observed at significant frequency in large population cohorts (gnomAD); This variant is associated with the following publications: (PMID: 29100089, 33796307, 39039281, 33057194, 35982159, 35753512)

Institute for Genomic Statistics and Bioinformatics, University Hospital Bonn
Classification: Pathogenic for Intellectual developmental disorder, autosomal dominant 54. Review status: criteria provided, single submitter. Criteria: ACMG Guidelines, 2015. Collection method: clinical testing. Allele origin: germline. Inheritance: Autosomal dominant inheritance. Affected: yes. Observed: 1 heterozygote.
Comment: ACMG classification: pathogenic (class 5: PVS1, PM2, PP5)

OMIM
Classification: Pathogenic for INTELLECTUAL DEVELOPMENTAL DISORDER, AUTOSOMAL DOMINANT 54. Last evaluated: 2022-04-28. Review status: no assertion criteria provided. Collection method: literature only. Allele origin: germline. Not counted in ClinVar's aggregate classification.

Laboratory of Molecular Genetics (Pr. Bezieau's lab), CHU de Nantes
Classification: Likely pathogenic for Intellectual disability. Last evaluated: 2017-07-03. Review status: no assertion criteria provided. Collection method: research. Allele origin: de novo. Affected: yes. Observed: 1 variant allele. Not counted in ClinVar's aggregate classification.

Literature cited by the submitters: PubMed 29100089 (cited by OMIM and Laboratory of Molecular Genetics (Pr. Bezieau's lab), CHU de Nantes).

NM_001220.5(CAMK2B):c.85C>T (p.Arg29Ter)

Gene: CAMK2B (calcium/calmodulin dependent protein kinase II beta; minus strand). Cytogenetic location: 7p13.
Variant type: single nucleotide variant.
Coding change: c.85C>T on transcript NM_001220.5 (MANE Select); coding-DNA position 85, C replaced by T.
Protein change: p.Arg29Ter; replaces arginine 29 with a stop codon.
Molecular consequence: nonsense.
Genome position (GRCh38, 1-based): chr7:44,284,206, G>A on the plus strand (C>T on the coding strand, the complement: CAMK2B is on the minus strand). VCF-style: chr7-44284206-G-A. GRCh37 (hg19) VCF-style: chr7-44323805-G-A.
Other names: c.85C>T, p.Arg29Ter (NM_001293170.2, NM_172078.3, NM_172079.3 and 5 more transcripts); short protein forms R29*.
Identifiers: ClinVar variation 430920 (VCV000430920.7), dbSNP rs1554434435, ClinGen allele CA367379940.